The following is an entry in ClinVar:

NM_004974.4(KCNA2):c.1213C>T (p.Pro405Ser)

Gene: KCNA2 (potassium voltage-gated channel subfamily A member 2; minus strand). Cytogenetic location: 1p13.3.
Variant type: single nucleotide variant.
Coding change: c.1213C>T on transcript NM_004974.4 (MANE Select); coding-DNA position 1213, C replaced by T.
Protein change: p.Pro405Ser; replaces proline 405 with serine.
Molecular consequence: missense variant. On other transcripts: intron variant (1).
Genome position (GRCh38, 1-based): chr1:110,603,570, G>A on the plus strand (C>T on the coding strand, the complement: KCNA2 is on the minus strand). VCF-style: chr1-110603570-G-A. GRCh37 (hg19) VCF-style: chr1-111146192-G-A.
Other names: c.894+319C>T (NM_001204269.2); short protein forms P405S.
Identifiers: ClinVar variation 2743101 (VCV002743101.4), dbSNP rs2524616231, ClinGen allele CA341601303.

ClinVar aggregate classification (germline): Conflicting classifications of pathogenicity. Review status: criteria provided, conflicting classifications (1 of 4 stars). 2 submissions from 2 submitters: Likely pathogenic (1); Uncertain significance (1). Last evaluated 2025-10-28.

Conditions:
KCNA2-related developmental and epileptic encephalopathy.
Developmental and epileptic encephalopathy, 32 (DEE32). Also called: Epileptic encephalopathy, early infantile, 32. Identifiers: Orphanet 442835, MedGen C4225350, MONDO:0014607, OMIM 616366.

Submissions (2):

Rady Children's Institute for Genomic Medicine, Rady Children's Hospital San Diego
Classification: Likely pathogenic for KCNA2-related developmental and epileptic encephalopathy. Last evaluated: 2025-10-28. Review status: criteria provided, single submitter. Criteria: ACMG Guidelines, 2015. Collection method: clinical testing. Allele origin: germline. Affected: yes.
Comment: The KCNA2 gene is constrained against missense variation (Z-score= 5.17), and missense variants are a common mechanism of disease (HGMD, ClinVar database; PMID: 29050392). This variant has not been previously reported in affected individuals in the literature to our knowledge. However, a different missense variant at this position (p.Pro405Leu) has been reported as a heterozygous change in patients with KCNA2-related developmental and epileptic encephalopathy (PMID: 25751627, 33232902). The c.1213C>T (p.Pro405Ser) variant affects a highly conserved amino acid and is predicted by multiple in silico tools to have a deleterious effect on protein function. In vitro functional studies in Xenopus oocytes showed that the p.Pro405Ser mutation caused a reduction in current amplitude, consistent with a loss of channel function (PMID: 40894870). The c.1213C>T (p.Pro405Ser) variant is absent from the latest version of the gnomAD population database and thus is presumed to be rare. Based on parental analysis, this variant likely occurred as a de novo event. Based on the available evidence, c.1213C>T (p.Pro405Ser) is classified as Likely Pathogenic.

Labcorp Genetics (formerly Invitae), Labcorp
Classification: Uncertain significance for Developmental and epileptic encephalopathy, 32. Last evaluated: 2023-07-13. Review status: criteria provided, single submitter. Criteria: Invitae Variant Classification Sherloc (09022015). Collection method: clinical testing. Allele origin: germline.
Comment: In summary, the available evidence is currently insufficient to determine the role of this variant in disease. Therefore, it has been classified as a Variant of Uncertain Significance. This variant disrupts the p.Pro405 amino acid residue in KCNA2. Other variant(s) that disrupt this residue have been determined to be pathogenic (PMID: 25751627). This suggests that this residue is clinically significant, and that variants that disrupt this residue are likely to be disease-causing. Advanced modeling of protein sequence and biophysical properties (such as structural, functional, and spatial information, amino acid conservation, physicochemical variation, residue mobility, and thermodynamic stability) performed at Invitae indicates that this missense variant is expected to disrupt KCNA2 protein function. This variant has not been reported in the literature in individuals affected with KCNA2-related conditions. This variant is not present in population databases (gnomAD no frequency). This sequence change replaces proline, which is neutral and non-polar, with serine, which is neutral and polar, at codon 405 of the KCNA2 protein (p.Pro405Ser).

Literature cited by the submitters: PubMed 25751627 (cited by Rady Children's Institute for Genomic Medicine, Rady Children's Hospital San Diego and Labcorp Genetics (formerly Invitae), Labcorp); PubMed 29050392 (cited by Rady Children's Institute for Genomic Medicine, Rady Children's Hospital San Diego); PubMed 33232902 (cited by Rady Children's Institute for Genomic Medicine, Rady Children's Hospital San Diego); PubMed 40894870 (cited by Rady Children's Institute for Genomic Medicine, Rady Children's Hospital San Diego).